The following is an entry in ClinVar:

ClinVar aggregate classification (germline): Uncertain significance (1 of 4 stars; one submission).

Submission:

Ambry Genetics
Classification: Uncertain significance. Last evaluated: 2022-04-05. Review status: criteria provided, single submitter. Criteria: Ambry Variant Classification Scheme 2023. Collection method: clinical testing. Allele origin: germline.
Comment: The p.V141D variant (also known as c.422T>A), located in coding exon 6 of the RAD54L gene, results from a T to A substitution at nucleotide position 422. The valine at codon 141 is replaced by aspartic acid, an amino acid with highly dissimilar properties. This amino acid position is conserved. In addition, this alteration is predicted to be deleterious by in silico analysis. Since supporting evidence is limited at this time, the clinical significance of this alteration remains unclear.

NM_003579.4(RAD54L):c.422T>A (p.Val141Asp)

Gene: RAD54L (RAD54 like; plus strand). Cytogenetic location: 1p34.1.
Variant type: single nucleotide variant.
Coding change: c.422T>A on transcript NM_003579.4 (MANE Select); coding-DNA position 422, T replaced by A.
Protein change: p.Val141Asp; replaces valine 141 with aspartic acid.
Molecular consequence: missense variant. On other transcripts: 5 prime UTR variant (1).
Genome position (GRCh38, 1-based): chr1:46,260,556, T>A. VCF-style: chr1-46260556-T-A. GRCh37 (hg19) VCF-style: chr1-46726228-T-A.
Other names: c.422T>A, p.Val141Asp (NM_001142548.2); c.-119T>A (NM_001370766.1); short protein forms V141D.
Identifiers: ClinVar variation 1738895 (VCV001738895.2), dbSNP rs2525667342, ClinGen allele CA340184709.